The following is an entry in ClinVar:

NM_001114753.3(ENG):c.-115G>A

Gene: ENG (endoglin; minus strand). Cytogenetic location: 9q34.11.
Variant type: single nucleotide variant.
Coding change: c.-115G>A on transcript NM_001114753.3 (MANE Select); 115 bases upstream of the start codon, G replaced by A.
Molecular consequence: 5 prime UTR variant.
Genome position (GRCh38, 1-based): chr9:127,854,470, C>T on the plus strand (G>A on the coding strand, the complement: ENG is on the minus strand). VCF-style: chr9-127854470-C-T. GRCh37 (hg19) VCF-style: chr9-130616749-C-T.
Other names: c.-115G>A (NM_000118.4, NM_001406715.1).
Identifiers: ClinVar variation 2180902 (VCV002180902.1), dbSNP rs546892762, ClinGen allele CA590606792.

ClinVar aggregate classification (germline): Uncertain significance (1 of 4 stars; one submission).

Conditions:
Hereditary hemorrhagic telangiectasia (HHT). Also called: ORW DISEASE; Osler Weber Rendu syndrome; OSLER-RENDU-WEBER DISEASE; Osler hemorrhagic telangiectasia syndrome. Identifiers: Orphanet 774, MedGen C0039445, MONDO:0019180. Disease mechanism: loss of function.

Allele frequency attached by ClinVar (database versions not stated): TOPMed 0.00002.
gnomAD v4.1: 20 of 1,166,950 alleles (0.0017%); highest among the groups gnomAD compares: African/African-American, 0.0047%; no homozygotes.

Submission:

Labcorp Genetics (formerly Invitae), Labcorp
Classification: Uncertain significance for Hereditary hemorrhagic telangiectasia. Last evaluated: 2022-05-05. Review status: criteria provided, single submitter. Criteria: Invitae Variant Classification Sherloc (09022015). Collection method: clinical testing. Allele origin: germline.
Comment: This variant occurs in a non-coding region of the ENG gene. It does not change the encoded amino acid sequence of the ENG protein. This variant is present in population databases (no rsID available, gnomAD 0.007%). This variant has not been reported in the literature in individuals affected with ENG-related conditions. Experimental studies and prediction algorithms are not available or were not evaluated, and the functional significance of this variant is currently unknown. In summary, the available evidence is currently insufficient to determine the role of this variant in disease. Therefore, it has been classified as a Variant of Uncertain Significance.